The following is an entry in ClinVar:

NM_000083.3(CLCN1):c.2363A>C (p.Gln788Pro)

Gene: CLCN1 (chloride voltage-gated channel 1; plus strand). Cytogenetic location: 7q34.
Variant type: single nucleotide variant.
Coding change: c.2363A>C on transcript NM_000083.3 (MANE Select); coding-DNA position 2363, A replaced by C.
Protein change: p.Gln788Pro; replaces glutamine 788 with proline.
Molecular consequence: missense variant. On other transcripts: non-coding transcript variant (1).
Genome position (GRCh38, 1-based): chr7:143,346,657, A>C. VCF-style: chr7-143346657-A-C. GRCh37 (hg19) VCF-style: chr7-143043750-A-C.
Other names: short protein forms Q788P.
Identifiers: ClinVar variation 838689 (VCV000838689.14), dbSNP rs199610988, ClinGen allele CA4537646.

ClinVar aggregate classification (germline): Conflicting classifications of pathogenicity. Review status: criteria provided, conflicting classifications (1 of 4 stars). 5 submissions from 5 submitters: Pathogenic (2); Likely pathogenic (2); Uncertain significance (1). Last evaluated 2026-01-28.

Conditions:
CLCN1-related disorder. Also called: CLCN1-related condition.
Congenital myotonia, autosomal recessive form. Also called: Becker Generalized Myotonia; myotonia congenita, autosomal recessive; BECKER DISEASE. Identifiers: Orphanet 614, MedGen C0751360, MONDO:0009715, OMIM 255700.
Congenital myotonia, autosomal dominant form (THD). Also called: THOMSEN DISEASE; Myotonia congenita autosomal dominant. Identifiers: Orphanet 614, MedGen C2936781, MONDO:0008055, OMIM 160800.

Allele frequency attached by ClinVar (database versions not stated): gnomAD exomes 0.00003; TOPMed 0.00003; ExAC 0.00004; gnomAD 0.00007 and 0.00009; 1000 Genomes Project 0.00060; 1000 Genomes Project 30x 0.00062.
gnomAD v4.1: 67 of 1,611,308 alleles (0.0042%); highest among the groups gnomAD compares: Admixed American, 0.03%; no homozygotes.

Submissions (5):

Labcorp Genetics (formerly Invitae), Labcorp
Classification: Pathogenic for Congenital myotonia, autosomal recessive form; Congenital myotonia, autosomal dominant form. Last evaluated: 2026-01-28. Review status: criteria provided, single submitter. Criteria: Invitae Variant Classification Sherloc (09022015). Collection method: clinical testing. Allele origin: germline.
Comment: This sequence change replaces glutamine, which is neutral and polar, with proline, which is neutral and non-polar, at codon 788 of the CLCN1 protein (p.Gln788Pro). This variant is present in population databases (rs199610988, gnomAD 0.01%). This missense change has been observed in individual(s) with autosomal recessive myotonia congenita (PMID: 22094069, 32593548; internal data). In at least one individual the data is consistent with being in trans (on the opposite chromosome) from a pathogenic variant. This variant has been reported in individual(s) with clinical features of autosomal dominant myotonia congenita (PMID: 31544778); however, the role of the variant in this condition is currently unclear. ClinVar contains an entry for this variant (Variation ID: 838689). An algorithm developed to predict the effect of missense changes on protein structure and function (PolyPhen-2) suggests that this variant is likely to be tolerated. Experimental studies have shown that this missense change affects CLCN1 function (PMID: 22094069). For these reasons, this variant has been classified as Pathogenic.

Blueprint Genetics
Classification: Likely pathogenic for CLCN1-related disorders. Last evaluated: 2024-10-31. Review status: criteria provided, single submitter. Criteria: ACMG Guidelines, 2015. Collection method: clinical testing. Allele origin: germline. Affected: yes. Observed: 5 variant alleles.

Fulgent Genetics
Classification: Likely pathogenic for Congenital myotonia, autosomal dominant form; Congenital myotonia, autosomal recessive form. Last evaluated: 2024-06-10. Review status: criteria provided, single submitter. Criteria: ACMG Guidelines, 2015. Collection method: clinical testing. Allele origin: germline.

GeneDx
Classification: Uncertain significance. Last evaluated: 2023-12-04. Review status: criteria provided, single submitter. Criteria: GeneDx Variant Classification Process June 2021. Collection method: clinical testing. Allele origin: germline. Affected: yes.
Comment: Reported previously in patients with myotonia who also harbored a pathogenic variant (phase unknown) (PMID: 22094069, 32593548); Published in vivo studies suggest that this variant may impair Clc-1 channel activity (PMID: 22094069); Not observed at significant frequency in large population cohorts (gnomAD); In silico analysis supports that this missense variant does not alter protein structure/function; This variant is associated with the following publications: (PMID: 31544778, 32593548, 22094069)

Clinical Genetics Service, Universitary Hospital 12 de Octubre
Classification: Pathogenic for Congenital myotonia, autosomal recessive form. Review status: criteria provided, single submitter. Criteria: ACMG Guidelines, 2015. Collection method: clinical testing. Allele origin: germline. Affected: yes.

Literature cited by the submitters: PubMed 22094069 (cited by Labcorp Genetics (formerly Invitae), Labcorp); PubMed 32593548 (cited by Labcorp Genetics (formerly Invitae), Labcorp); PubMed 31544778 (cited by Labcorp Genetics (formerly Invitae), Labcorp).